The following is an entry in ClinVar:

ClinVar aggregate classification (germline): Uncertain significance (1 of 4 stars; one submission).

Submission:

Ambry Genetics
Classification: Uncertain significance. Last evaluated: 2022-11-10. Review status: criteria provided, single submitter. Criteria: Ambry Variant Classification Scheme 2023. Collection method: clinical testing. Allele origin: germline.
Comment: The p.L205P variant (also known as c.614T>C), located in coding exon 1 of the PALLD gene, results from a T to C substitution at nucleotide position 614. The leucine at codon 205 is replaced by proline, an amino acid with similar properties. This amino acid position is conserved. In addition, the in silico prediction for this alteration is inconclusive. Since supporting evidence is limited at this time, the clinical significance of this alteration remains unclear.

NM_001166108.2(PALLD):c.614T>C (p.Leu205Pro)

Gene: PALLD (palladin, cytoskeletal associated protein; plus strand). Cytogenetic location: 4q32.3.
Variant type: single nucleotide variant.
Coding change: c.614T>C on transcript NM_001166108.2 (MANE Select); coding-DNA position 614, T replaced by C.
Protein change: p.Leu205Pro; replaces leucine 205 with proline.
Molecular consequence: missense variant.
Genome position (GRCh38, 1-based): chr4:168,512,118, T>C. VCF-style: chr4-168512118-T-C. GRCh37 (hg19) VCF-style: chr4-169433269-T-C.
Other names: c.614T>C, p.Leu205Pro (NM_016081.4); short protein forms L205P.
Identifiers: ClinVar variation 2497012 (VCV002497012.2), dbSNP rs2531434607, ClinGen allele CA358726493.